The following is an entry in ClinVar:

ClinVar aggregate classification (germline): Uncertain significance (1 of 4 stars; one submission).

Conditions:
Hereditary cancer-predisposing syndrome. Also called: Neoplastic Syndromes, Hereditary; Tumor predisposition; Hereditary neoplastic syndrome; Hereditary Cancer Syndrome. Identifiers: Orphanet 140162, MedGen C0027672, MeSH D009386, MONDO:0015356.
Cardiovascular phenotype. Identifiers: MedGen CN230736.

Submission:

Ambry Genetics
Classification: Uncertain significance for Cardiovascular phenotype; Hereditary cancer-predisposing syndrome. Last evaluated: 2023-11-16. Review status: criteria provided, single submitter. Criteria: Ambry Variant Classification Scheme 2023. Collection method: clinical testing. Allele origin: germline.
Comment: The p.G311E variant (also known as c.932G>A), located in coding exon 9 of the NF1 gene, results from a G to A substitution at nucleotide position 932. The glycine at codon 311 is replaced by glutamic acid, an amino acid with similar properties. This amino acid position is well conserved in available vertebrate species. In addition, the in silico prediction for this alteration is inconclusive. Since supporting evidence is limited at this time, the clinical significance of this alteration remains unclear.

NM_001042492.3(NF1):c.932G>A (p.Gly311Glu)

Gene: NF1 (neurofibromin 1; plus strand). Cytogenetic location: 17q11.2.
Variant type: single nucleotide variant.
Coding change: c.932G>A on transcript NM_001042492.3 (MANE Select); coding-DNA position 932, G replaced by A.
Protein change: p.Gly311Glu; replaces glycine 311 with glutamic acid.
Molecular consequence: missense variant.
Genome position (GRCh38, 1-based): chr17:31,200,465, G>A. VCF-style: chr17-31200465-G-A. GRCh37 (hg19) VCF-style: chr17-29527483-G-A.
Other names: c.932G>A, p.Gly311Glu (NM_000267.4, NM_001128147.3); short protein forms G311E.
Identifiers: ClinVar variation 3237993 (VCV003237993.1), dbSNP rs2143872580.
Genomic context (GRCh38, chr17:31,200,465, plus strand): 5'-ATATTTGAATTCTGTAGAAGTTATTTCTGGACAGTCTACGAAAAGCTCTTGCTGGCCATG[G>A]AGGAAGTAGGCAGCTGACAGAAAGTGCTGCAATTGCCTGTGTCAAACTGTGTAAAGCAAG-3'
Protein context (NP_001035957.1, residues 301-321): DSLRKALAGH[Gly311Glu]GSRQLTESAA